The following is an entry in ClinVar:

ClinVar aggregate classification (germline): Benign/Likely benign. Review status: criteria provided, multiple submitters, no conflicts (2 of 4 stars). 3 submissions from 3 submitters: Benign (1); Likely benign (2). Last evaluated 2026-05-20.

Conditions:
Hereditary cancer-predisposing syndrome. Also called: Tumor predisposition; Hereditary neoplastic syndrome; Neoplastic Syndromes, Hereditary; Hereditary Cancer Syndrome. Identifiers: Orphanet 140162, MedGen C0027672, MeSH D009386, MONDO:0015356.
Neurofibromatosis, type 1 (NF1). Also called: Neurofibromatosis, type I; NEUROFIBROMATOSIS, TYPE I, SOMATIC; VON RECKLINGHAUSEN DISEASE; Peripheral type neurofibromatosis. Identifiers: Orphanet 636, MedGen C0027831, MONDO:0018975, OMIM 162200. Disease mechanism: loss of function.

Allele frequency attached by ClinVar (database versions not stated): TOPMed below 0.00001; gnomAD 0.00001.

Submissions (3):

Myriad Genetics, Inc.
Classification: Benign for Neurofibromatosis, type 1. Last evaluated: 2026-05-20. Review status: criteria provided, single submitter. Criteria: Myriad Autosomal Dominant, Autosomal Recessive and X-Linked Classification Criteria (2023). Collection method: clinical testing. Allele origin: unknown.
Comment: This variant is considered benign. This variant is a silent/synonymous amino acid change and it is not expected to impact splicing.

Labcorp Genetics (formerly Invitae), Labcorp
Classification: Likely benign for Neurofibromatosis, type 1. Last evaluated: 2025-04-28. Review status: criteria provided, single submitter. Criteria: Invitae Variant Classification Sherloc (09022015). Collection method: clinical testing. Allele origin: germline.

Ambry Genetics
Classification: Likely benign for Hereditary cancer-predisposing syndrome. Last evaluated: 2015-10-04. Review status: criteria provided, single submitter. Criteria: Ambry Autosomal Dominant and X-Linked criteria (10/2015). Collection method: clinical testing. Allele origin: germline. Observed: 1 variant allele.

NM_001042492.3(NF1):c.5520C>A (p.Pro1840=)

Gene: NF1 (neurofibromin 1; plus strand). Cytogenetic location: 17q11.2.
Variant type: single nucleotide variant.
Coding change: c.5520C>A on transcript NM_001042492.3 (MANE Select); coding-DNA position 5520, C replaced by A.
Protein change: p.Pro1840=; no amino-acid change (proline 1840 retained).
Molecular consequence: synonymous variant.
Genome position (GRCh38, 1-based): chr17:31,327,750, C>A. VCF-style: chr17-31327750-C-A. GRCh37 (hg19) VCF-style: chr17-29654768-C-A.
Other names: c.5457C>A, p.Pro1819= (NM_000267.4).
Identifiers: ClinVar variation 184716 (VCV000184716.9), dbSNP rs786201638, ClinGen allele CA189812.